The following is an entry in ClinVar:

NM_000548.5(TSC2):c.1559A>G (p.His520Arg)

Gene: TSC2 (TSC complex subunit 2; plus strand). Cytogenetic location: 16p13.3.
Variant type: single nucleotide variant.
Coding change: c.1559A>G on transcript NM_000548.5 (MANE Select); coding-DNA position 1559, A replaced by G.
Protein change: p.His520Arg; replaces histidine 520 with arginine.
Molecular consequence: missense variant.
Genome position (GRCh38, 1-based): chr16:2,064,387, A>G. VCF-style: chr16-2064387-A-G. GRCh37 (hg19) VCF-style: chr16-2114388-A-G.
Other names: c.1559A>G, p.His520Arg (NM_001077183.3, NM_001114382.3, NM_001363528.2 and 3 more transcripts); c.1448A>G, p.His483Arg (NM_001318827.2); c.1412A>G, p.His471Arg (NM_001318829.2); c.959A>G, p.His320Arg (NM_001318831.2); c.1592A>G, p.His531Arg (NM_001318832.2); short protein forms H471R, H520R, H320R, H483R, H531R.
Identifiers: ClinVar variation 846290 (VCV000846290.14), dbSNP rs1220672669, ClinGen allele CA394326508.

ClinVar aggregate classification (germline): Uncertain significance. Review status: criteria provided, multiple submitters, no conflicts (2 of 4 stars). 3 submissions from 3 submitters: Uncertain significance (3). Last evaluated 2024-07-09.

Conditions:
Isolated focal cortical dysplasia type II (FCORD2). Also called: CORTICAL DYSPLASIA OF TAYLOR; Focal cortical dysplasia type II. Identifiers: Orphanet 268994, MedGen C1846385, MONDO:0011818, OMIM 607341, HP:0032051.
Tuberous sclerosis 2 (TSC2). Identifiers: Orphanet 805, MedGen C1860707, MONDO:0013199, OMIM 613254.
Hereditary cancer-predisposing syndrome. Also called: Neoplastic Syndromes, Hereditary; Hereditary neoplastic syndrome; Tumor predisposition; Hereditary Cancer Syndrome. Identifiers: Orphanet 140162, MedGen C0027672, MeSH D009386, MONDO:0015356.

gnomAD v4.1: 2 of 1,613,736 alleles (0.00012%); highest among the groups gnomAD compares: Non-Finnish European, 0.00017%; no homozygotes.

Submissions (3):

Ambry Genetics
Classification: Uncertain significance for Hereditary cancer-predisposing syndrome. Last evaluated: 2024-07-09. Review status: criteria provided, single submitter. Criteria: Ambry Variant Classification Scheme 2023. Collection method: clinical testing. Allele origin: germline.
Comment: The p.H520R variant (also known as c.1559A>G), located in coding exon 14 of the TSC2 gene, results from an A to G substitution at nucleotide position 1559. The histidine at codon 520 is replaced by arginine, an amino acid with highly similar properties. This amino acid position is not well conserved in available vertebrate species. In addition, the in silico prediction for this alteration is inconclusive. Since supporting evidence is limited at this time, the clinical significance of this alteration remains unclear.

Baylor Genetics
Classification: Uncertain significance for Isolated focal cortical dysplasia type II. Last evaluated: 2023-10-18. Review status: criteria provided, single submitter. Criteria: ACMG Guidelines, 2015. Collection method: clinical testing. Allele origin: unknown.

Labcorp Genetics (formerly Invitae), Labcorp
Classification: Uncertain significance for Tuberous sclerosis 2. Last evaluated: 2020-11-22. Review status: criteria provided, single submitter. Criteria: Invitae Variant Classification Sherloc (09022015). Collection method: clinical testing. Allele origin: germline.
Comment: This sequence change replaces histidine with arginine at codon 520 of the TSC2 protein (p.His520Arg). The histidine residue is moderately conserved and there is a small physicochemical difference between histidine and arginine. This variant is not present in population databases (ExAC no frequency). This variant has not been reported in the literature in individuals with TSC2-related conditions. Algorithms developed to predict the effect of missense changes on protein structure and function (SIFT, PolyPhen-2, Align-GVGD) all suggest that this variant is likely to be tolerated, but these predictions have not been confirmed by published functional studies and their clinical significance is uncertain. In summary, the available evidence is currently insufficient to determine the role of this variant in disease. Therefore, it has been classified as a Variant of Uncertain Significance.